The following is an entry in ClinVar:

ClinVar aggregate classification (germline): Uncertain significance (1 of 4 stars; one submission).

Conditions:
Hereditary pancreatitis (PCTT). Also called: Hereditary chronic pancreatitis; PRSS1-Related Hereditary Pancreatitis. Identifiers: Orphanet 676, MedGen C0238339, MONDO:0008185, OMIM 167800.

Submission:

Ambry Genetics
Classification: Uncertain significance for Hereditary pancreatitis. Last evaluated: 2023-05-05. Review status: criteria provided, single submitter. Criteria: Ambry Variant Classification Scheme 2023. Collection method: clinical testing. Allele origin: germline.
Comment: The p.R155G variant (also known as c.463C>G), located in coding exon 4 of the CPA1 gene, results from a C to G substitution at nucleotide position 463. The arginine at codon 155 is replaced by glycine, an amino acid with dissimilar properties. This amino acid position is conserved. In addition, this alteration is predicted to be deleterious by in silico analysis. Since supporting evidence is limited at this time, the clinical significance of this alteration remains unclear.

NM_001868.4(CPA1):c.463C>G (p.Arg155Gly)

Gene: CPA1 (carboxypeptidase A1; plus strand). Cytogenetic location: 7q32.2.
Variant type: single nucleotide variant.
Coding change: c.463C>G on transcript NM_001868.4 (MANE Select); coding-DNA position 463, C replaced by G.
Protein change: p.Arg155Gly; replaces arginine 155 with glycine.
Molecular consequence: missense variant.
Genome position (GRCh38, 1-based): chr7:130,382,189, C>G. VCF-style: chr7-130382189-C-G. GRCh37 (hg19) VCF-style: chr7-130022030-C-G.
Other names: short protein forms R155G.
Identifiers: ClinVar variation 2563227 (VCV002563227.2), dbSNP rs2536006417, ClinGen allele CA369281214.